The following is an entry in ClinVar:

NM_004456.5(EZH2):c.159G>A (p.Thr53=)

Gene: EZH2 (enhancer of zeste 2 polycomb repressive complex 2 subunit; minus strand). Cytogenetic location: 7q36.1.
Variant type: single nucleotide variant.
Coding change: c.159G>A on transcript NM_004456.5 (MANE Select); coding-DNA position 159, G replaced by A.
Protein change: p.Thr53=; no amino-acid change (threonine 53 retained).
Molecular consequence: synonymous variant.
Genome position (GRCh38, 1-based): chr7:148,846,557, C>T on the plus strand (G>A on the coding strand, the complement: EZH2 is on the minus strand). VCF-style: chr7-148846557-C-T. GRCh37 (hg19) VCF-style: chr7-148543649-C-T.
Other names: c.159G>A, p.Thr53= (NM_001203247.2, NM_001203248.2, NM_001203249.2 and 1 more transcripts).
Identifiers: ClinVar variation 696993 (VCV000696993.31), dbSNP rs749258482, ClinGen allele CA4548197.

ClinVar aggregate classification (germline): Likely benign. Review status: criteria provided, multiple submitters, no conflicts (2 of 4 stars). 4 submissions from 4 submitters: Likely benign (4). Last evaluated 2026-04-01.

Conditions:
Weaver syndrome (WVS). Also called: Weaver Smith syndrome; Overgrowth syndrome with accelerated skeletal maturation, unusual facies, and camptodactyly. Identifiers: Orphanet 3447, MedGen C0265210, MONDO:0010193, OMIM 277590.
EZH2-related disorder.

Allele frequency attached by ClinVar (database versions not stated): ExAC 0.00002; gnomAD 0.00002; gnomAD exomes 0.00004 and 0.00005; TOPMed 0.00004.
gnomAD v4.1: 79 of 1,613,120 alleles (0.0049%); highest among the groups gnomAD compares: Middle Eastern, 0.016%; no homozygotes.

Submissions (4):

CeGaT Center for Human Genetics Tuebingen
Classification: Likely benign. Last evaluated: 2026-04-01. Review status: criteria provided, single submitter. Criteria: CeGaT Center For Human Genetics Tuebingen Variant Classification Criteria Version 2. Collection method: clinical testing. Allele origin: germline. Affected: yes. Observed: 2 variant alleles.
Comment: EZH2: BP4, BP7

PreventionGenetics, part of Exact Sciences
Classification: Likely benign for EZH2-related condition. Last evaluated: 2025-07-01. Review status: criteria provided, single submitter. Criteria: ACMG Guidelines, 2015. Collection method: clinical testing. Allele origin: germline.
Comment: This variant is classified as likely benign based on ACMG/AMP sequence variant interpretation guidelines (Richards et al. 2015 PMID: 25741868, with internal and published modifications).

Labcorp Genetics (formerly Invitae), Labcorp
Classification: Likely benign for Weaver syndrome. Last evaluated: 2025-02-25. Review status: criteria provided, single submitter. Criteria: Invitae Variant Classification Sherloc (09022015). Collection method: clinical testing. Allele origin: germline.

Blueprint Genetics
Classification: Likely benign. Last evaluated: 2024-09-11. Review status: criteria provided, single submitter. Criteria: ACMG Guidelines, 2015. Collection method: clinical testing. Allele origin: germline.